The following is an entry in ClinVar:

ClinVar aggregate classification (germline): Uncertain significance. Review status: criteria provided, multiple submitters, no conflicts (2 of 4 stars). 2 submissions from 2 submitters: Uncertain significance (2). Last evaluated 2025-05-03.

Conditions:
Inborn genetic diseases. Identifiers: MedGen C0950123, MeSH D030342.
Tatton-Brown-Rahman overgrowth syndrome. Also called: Tall stature-intellectual disability-facial dysmorphism syndrome; Tatton-Brown-Rahman syndrome. Identifiers: Orphanet 404443, MedGen C4014545, MONDO:0014382, OMIM 615879.

gnomAD v4.1: 1 of 1,613,880 alleles (0.000062%); highest among the groups gnomAD compares: Non-Finnish European, 0.000085%; no homozygotes.

Submissions (2):

Ambry Genetics
Classification: Uncertain significance for Inborn genetic diseases. Last evaluated: 2025-05-03. Review status: criteria provided, single submitter. Criteria: Ambry Variant Classification Scheme 2023. Collection method: clinical testing. Allele origin: germline.
Comment: The p.E241A variant (also known as c.722A>C), located in coding exon 6 of the DNMT3A gene, results from an A to C substitution at nucleotide position 722. The glutamic acid at codon 241 is replaced by alanine, an amino acid with dissimilar properties. This amino acid position is conserved. In addition, the in silico prediction for this alteration is inconclusive. Based on the available evidence, the clinical significance of this variant remains unclear.

Labcorp Genetics (formerly Invitae), Labcorp
Classification: Uncertain significance for Tatton-Brown-Rahman overgrowth syndrome. Last evaluated: 2024-12-07. Review status: criteria provided, single submitter. Criteria: Invitae Variant Classification Sherloc (09022015). Collection method: clinical testing. Allele origin: germline.
Comment: This sequence change replaces glutamic acid, which is acidic and polar, with alanine, which is neutral and non-polar, at codon 241 of the DNMT3A protein (p.Glu241Ala). This variant is not present in population databases (gnomAD no frequency). This variant has not been reported in the literature in individuals affected with DNMT3A-related conditions. Invitae Evidence Modeling of protein sequence and biophysical properties (such as structural, functional, and spatial information, amino acid conservation, physicochemical variation, residue mobility, and thermodynamic stability) indicates that this missense variant is not expected to disrupt DNMT3A protein function with a negative predictive value of 95%. In summary, the available evidence is currently insufficient to determine the role of this variant in disease. Therefore, it has been classified as a Variant of Uncertain Significance.

NM_022552.5(DNMT3A):c.722A>C (p.Glu241Ala)

Gene: DNMT3A (DNA methyltransferase 3 alpha; minus strand). Cytogenetic location: 2p23.3.
Variant type: single nucleotide variant.
Coding change: c.722A>C on transcript NM_022552.5 (MANE Select); coding-DNA position 722, A replaced by C.
Protein change: p.Glu241Ala; replaces glutamic acid 241 with alanine.
Molecular consequence: missense variant. On other transcripts: non-coding transcript variant (1).
Genome position (GRCh38, 1-based): chr2:25,248,170, T>G on the plus strand (A>C on the coding strand, the complement: DNMT3A is on the minus strand). VCF-style: chr2-25248170-T-G. GRCh37 (hg19) VCF-style: chr2-25471039-T-G.
Other names: c.266A>C, p.Glu89Ala (NM_001320893.1); c.53A>C, p.Glu18Ala (NM_001375819.1); c.155A>C, p.Glu52Ala (NM_153759.3); c.722A>C, p.Glu241Ala (NM_175629.2); c.722A>C (NM_022552.3); short protein forms E18A, E52A, E241A, E89A.
Identifiers: ClinVar variation 3657808 (VCV003657808.3).